The following is an entry in ClinVar:

ClinVar aggregate classification (germline): Uncertain significance. Review status: criteria provided, multiple submitters, no conflicts (2 of 4 stars). 2 submissions from 2 submitters: Uncertain significance (2). Last evaluated 2025-10-07.

Conditions:
Hereditary spastic paraplegia 6 (SPG6). Also called: SPASTIC PARAPLEGIA 6, AUTOSOMAL DOMINANT. Identifiers: Orphanet 100988, MedGen C1838192, MONDO:0010878, OMIM 600363.

Allele frequency attached by ClinVar (database versions not stated): gnomAD exomes below 0.00001; TOPMed below 0.00001.

Submissions (2):

Institute of Immunology and Genetics Kaiserslautern
Classification: Uncertain significance for Hereditary spastic paraplegia 6. Last evaluated: 2025-10-07. Review status: criteria provided, single submitter. Criteria: ACMG Guidelines, 2015. Collection method: clinical testing. Allele origin: germline. Affected: yes.
Comment: ACMG Criteria: PM2_P, PP3; Variant was found in heterozygous state.

Labcorp Genetics (formerly Invitae), Labcorp
Classification: Uncertain significance for Hereditary spastic paraplegia 6. Last evaluated: 2021-02-04. Review status: criteria provided, single submitter. Criteria: Invitae Variant Classification Sherloc (09022015). Collection method: clinical testing. Allele origin: germline.
Comment: In summary, the available evidence is currently insufficient to determine the role of this variant in disease. Therefore, it has been classified as a Variant of Uncertain Significance. Algorithms developed to predict the effect of missense changes on protein structure and function do not agree on the potential impact of this missense change (SIFT: "Deleterious"; PolyPhen-2: "Benign"; Align-GVGD: "Class C55"). This variant has not been reported in the literature in individuals with NIPA1-related disease. This variant is not present in population databases (ExAC no frequency). This sequence change replaces alanine with valine at codon 100 of the NIPA1 protein (p.Ala100Val). The alanine residue is highly conserved and there is a small physicochemical difference between alanine and valine.

NM_144599.5(NIPA1):c.299C>T (p.Ala100Val)

Gene: NIPA1 (NIPA magnesium transporter 1; plus strand). Cytogenetic location: 15q11.2.
Variant type: single nucleotide variant.
Coding change: c.299C>T on transcript NM_144599.5 (MANE Select); coding-DNA position 299, C replaced by T.
Protein change: p.Ala100Val; replaces alanine 100 with valine.
Molecular consequence: missense variant.
Genome position (GRCh38, 1-based): chr15:22,812,235, C>T. VCF-style: chr15-22812235-C-T. GRCh37 (hg19) VCF-style: chr15-23060833-G-A.
Other names: c.74C>T, p.Ala25Val (NM_001142275.1); short protein forms A100V, A25V.
Identifiers: ClinVar variation 533364 (VCV000533364.9), dbSNP rs1356799862, ClinGen allele CA391303110.